The following is an entry in ClinVar:

ClinVar aggregate classification (germline): Pathogenic (1 of 4 stars; one submission).

Submission:

CeGaT Center for Human Genetics Tuebingen
Classification: Pathogenic. Last evaluated: 2022-06-01. Review status: criteria provided, single submitter. Criteria: CeGaT Center For Human Genetics Tuebingen Variant Classification Criteria Version 2. Collection method: clinical testing. Allele origin: germline. Affected: yes. Observed: 1 variant allele.
Comment: DDHD1: PVS1, PM2

NM_001160148.2(DDHD1):c.456_463del (p.Ala153fs)

Gene: DDHD1 (DDHD domain containing 1; minus strand). Cytogenetic location: 14q22.1.
Variant type: Microsatellite.
Coding change: c.456_463del on transcript NM_001160148.2 (MANE Select); coding-DNA positions 456 to 463, 8 bases deleted (GGCCCGGC; older notation c.456_463delGGCCCGGC).
Protein change: p.Ala153fs; shifts the reading frame from alanine 153.
Molecular consequence: frameshift variant.
Genome position (GRCh38, 1-based): chr14:53,152,636-53,152,643, GCCGGGCC deleted on the plus strand (GGCCCGGC on the coding strand, the reverse complement: DDHD1 is on the minus strand); deleting any 8 consecutive bases within chr14:53,152,636-53,152,654 gives the same sequence; the c. name uses the placement nearest the transcript's 3' end. VCF-style (leftmost placement, unchanged base first): chr14-53152635-TGCCGGGCC-T. GRCh37 (hg19) VCF-style: chr14-53619353-TGCCGGGCC-T.
Other names: c.456_463del, p.Ala153fs (NM_001160147.2, NM_030637.3); short protein forms A153fs.
Identifiers: ClinVar variation 2644245 (VCV002644245.24), dbSNP rs781505420, ClinGen allele CA7191486.